The following is an entry in ClinVar:

ClinVar aggregate classification (germline): Likely benign (1 of 4 stars; one submission).

gnomAD v4.1: 5 of 1,614,092 alleles (0.00031%); highest among the groups gnomAD compares: Non-Finnish European, 0.00042%; no homozygotes.

Submission:

CeGaT Center for Human Genetics Tuebingen
Classification: Likely benign. Last evaluated: 2025-06-01. Review status: criteria provided, single submitter. Criteria: CeGaT Center For Human Genetics Tuebingen Variant Classification Criteria Version 2. Collection method: clinical testing. Allele origin: germline. Affected: yes. Observed: 1 variant allele.
Comment: PPFIA3: BP4

NM_003660.4(PPFIA3):c.3381C>A (p.Ser1127=)

Genes: PPFIA3 (PPFI scaffold protein A3; plus strand), LOC130064904 (ATAC-STARR-seq lymphoblastoid active region 14927; plus strand). Cytogenetic location: 19q13.33.
Variant type: single nucleotide variant.
Coding change: c.3381C>A on transcript NM_003660.4 (MANE Select); coding-DNA position 3381, C replaced by A.
Protein change: p.Ser1127=; no amino-acid change (serine 1127 retained).
Molecular consequence: synonymous variant. On other transcripts: non-coding transcript variant (1).
Genome position (GRCh38, 1-based): chr19:49,149,573, C>A. VCF-style: chr19-49149573-C-A. GRCh37 (hg19) VCF-style: chr19-49652830-C-A.
Identifiers: ClinVar variation 4084211 (VCV004084211.8).